The following is an entry in ClinVar:

ClinVar aggregate classification (germline): Likely benign. Review status: criteria provided, multiple submitters, no conflicts (2 of 4 stars). 2 submissions from 2 submitters: Likely benign (2). Last evaluated 2026-02-01.

Allele frequency attached by ClinVar (database versions not stated): gnomAD exomes 0.00002 and 0.00008; gnomAD 0.00004; TOPMed 0.00007; ExAC 0.00008; ESP Exome Variant Server 0.00008.
gnomAD v4.1: 82 of 1,613,606 alleles (0.0051%); highest among the groups gnomAD compares: East Asian, 0.067%; no homozygotes.

Submissions (2):

CeGaT Center for Human Genetics Tuebingen
Classification: Likely benign. Last evaluated: 2026-02-01. Review status: criteria provided, single submitter. Criteria: CeGaT Center For Human Genetics Tuebingen Variant Classification Criteria Version 2. Collection method: clinical testing. Allele origin: germline. Affected: yes. Observed: 1 variant allele.
Comment: PRKD1: BP4, BP7

Labcorp Genetics (formerly Invitae), Labcorp
Classification: Likely benign. Last evaluated: 2019-12-31. Review status: criteria provided, single submitter. Criteria: Invitae Variant Classification Sherloc (09022015). Collection method: clinical testing. Allele origin: germline.

NM_002742.3(PRKD1):c.2565C>T (p.Ile855=)

Gene: PRKD1 (protein kinase D1; minus strand). Cytogenetic location: 14q12.
Variant type: single nucleotide variant.
Coding change: c.2565C>T on transcript NM_002742.3 (MANE Select); coding-DNA position 2565, C replaced by T.
Protein change: p.Ile855=; no amino-acid change (isoleucine 855 retained).
Molecular consequence: synonymous variant.
Genome position (GRCh38, 1-based): chr14:29,577,412, G>A on the plus strand (C>T on the coding strand, the complement: PRKD1 is on the minus strand). VCF-style: chr14-29577412-G-A. GRCh37 (hg19) VCF-style: chr14-30046618-G-A.
Other names: c.2589C>T, p.Ile863= (NM_001330069.2); c.2301C>T, p.Ile767= (NM_001348390.1).
Identifiers: ClinVar variation 720962 (VCV000720962.8), dbSNP rs143388121, ClinGen allele CA7140845.